The following is an entry in ClinVar:

ClinVar aggregate classification (germline): Likely pathogenic. Review status: criteria provided, multiple submitters, no conflicts (2 of 4 stars). 2 submissions from 2 submitters: Likely pathogenic (2). Last evaluated 2023-03-25.

Conditions:
Deficiency of beta-ureidopropionase (UPB1D). Also called: Beta-ureidopropionase deficiency. Identifiers: Orphanet 65287, MedGen C1291512, MONDO:0013164, OMIM 613161.

Submissions (2):

GeneDx
Classification: Likely pathogenic. Last evaluated: 2023-03-25. Review status: criteria provided, single submitter. Criteria: GeneDx Variant Classification Process June 2021. Collection method: clinical testing. Allele origin: germline. Affected: yes.
Comment: Frameshift variant predicted to result in protein truncation or nonsense mediated decay in a gene for which loss-of-function is a known mechanism of disease; Not observed at a significant frequency in large population cohorts (gnomAD); Has not been previously published as pathogenic or benign to our knowledge

New York Genome Center
Classification: Likely pathogenic for Deficiency of beta-ureidopropionase. Last evaluated: 2019-12-13. Review status: criteria provided, single submitter. Criteria: NYGC Assertion Criteria 2020. Collection method: clinical testing. Allele origin: germline. Observed: 1 heterozygote. Study: CSER-NYCKidSeq.

NM_016327.3(UPB1):c.148_149dup (p.Asp51fs)

Gene: UPB1 (beta-ureidopropionase 1; plus strand). Cytogenetic location: 22q11.23.
Variant type: Microsatellite.
Coding change: c.148_149dup on transcript NM_016327.3 (MANE Select); coding-DNA positions 148 to 149, 2 bases duplicated (GA; older notation c.148_149dupGA).
Protein change: p.Asp51fs; shifts the reading frame from aspartic acid 51.
Molecular consequence: frameshift variant.
Genome position (GRCh38, 1-based): chr22:24,500,150-24,500,151, GA duplicated; duplicating any 2 consecutive bases within chr22:24,500,147-24,500,151 gives the same sequence; the c. name uses the placement nearest the transcript's 3' end. VCF-style (leftmost placement, unchanged base first): chr22-24500146-C-CAG. GRCh37 (hg19) VCF-style: chr22-24896114-C-CAG.
Other names: short protein forms D51fs.
Identifiers: ClinVar variation 977433 (VCV000977433.4), dbSNP rs765062693, ClinGen allele CA10153029.